The following is an entry in ClinVar:

NM_198506.5(LRIT3):c.1913G>C (p.Ser638Thr)

Gene: LRIT3 (leucine rich repeat, Ig-like and transmembrane domains 3; plus strand). Cytogenetic location: 4q25.
Variant type: single nucleotide variant.
Coding change: c.1913G>C on transcript NM_198506.5 (MANE Select); coding-DNA position 1913, G replaced by C.
Protein change: p.Ser638Thr; replaces serine 638 with threonine.
Molecular consequence: missense variant.
Genome position (GRCh38, 1-based): chr4:109,870,662, G>C. VCF-style: chr4-109870662-G-C. GRCh37 (hg19) VCF-style: chr4-110791818-G-C.
Other names: c.1778G>C (NM_198506.2); short protein forms S638T.
Identifiers: ClinVar variation 901025 (VCV000901025.12), dbSNP rs550500577, ClinGen allele CA3043286.

ClinVar aggregate classification (germline): Uncertain significance. Review status: criteria provided, multiple submitters, no conflicts (2 of 4 stars). 5 submissions from 5 submitters: Uncertain significance (5). Last evaluated 2026-08-06.

Conditions:
Inborn genetic diseases. Identifiers: MedGen C0950123, MeSH D030342.
Congenital stationary night blindness 1F. Also called: Night blindness, congenital stationary (complete), 1F, autosomal recessive. Identifiers: Orphanet 215, MedGen C3554399, MONDO:0014026, OMIM 615058.

Allele frequency attached by ClinVar (database versions not stated): ExAC 0.00001; gnomAD 0.00001; TOPMed 0.00004; 1000 Genomes Project 30x 0.00016; 1000 Genomes Project 0.00020.
gnomAD v4.1: 13 of 1,614,132 alleles (0.00081%); highest among the groups gnomAD compares: Admixed American, 0.013%; no homozygotes.

Submissions (5):

OLLIN Analises Genomicas, OLLIN
Classification: Uncertain significance for Congenital stationary night blindness 1F. Last evaluated: 2026-08-06. Review status: criteria provided, single submitter. Criteria: ACMG Guidelines 2015 PMID 25741868. Collection method: clinical testing. Allele origin: germline.
Comment: This missense variant, located in exon 4 (of 4), has been reported in ClinVar (accession VCV000901025.10) and in gnomAD with an allele frequency of 0.000805%. However, to our knowledge, it has not been reported in the scientific literature. In silico analysis predicts that this variant has a tolerated effect. According to the currently available evidence, this variant has been classified as uncertain significance (PM2_P, BP4_M).

Labcorp Genetics (formerly Invitae), Labcorp
Classification: Uncertain significance. Last evaluated: 2024-12-02. Review status: criteria provided, single submitter. Criteria: Invitae Variant Classification Sherloc (09022015). Collection method: clinical testing. Allele origin: germline.
Comment: This sequence change replaces serine, which is neutral and polar, with threonine, which is neutral and polar, at codon 638 of the LRIT3 protein (p.Ser638Thr). This variant is present in population databases (rs550500577, gnomAD 0.006%). This variant has not been reported in the literature in individuals affected with LRIT3-related conditions. ClinVar contains an entry for this variant (Variation ID: 901025). An algorithm developed to predict the effect of missense changes on protein structure and function (PolyPhen-2) suggests that this variant is likely to be disruptive. In summary, the available evidence is currently insufficient to determine the role of this variant in disease. Therefore, it has been classified as a Variant of Uncertain Significance.

Ambry Genetics
Classification: Uncertain significance for Inborn genetic diseases. Last evaluated: 2024-06-16. Review status: criteria provided, single submitter. Criteria: Ambry Variant Classification Scheme 2023. Collection method: clinical testing. Allele origin: germline.

Blueprint Genetics
Classification: Uncertain significance. Last evaluated: 2022-04-23. Review status: criteria provided, single submitter. Criteria: ACMG Guidelines, 2015. Collection method: clinical testing. Allele origin: germline.

Illumina Laboratory Services, Illumina
Classification: Uncertain significance for Congenital stationary night blindness 1F. Last evaluated: 2018-01-12. Review status: criteria provided, single submitter. Criteria: ICSL Variant Classification Criteria 13 December 2019. Collection method: clinical testing. Allele origin: germline.